The following is an entry in ClinVar:

NM_001110556.2(FLNA):c.7156+11_7156+15del

Gene: FLNA (filamin A; minus strand). Cytogenetic location: Xq28.
Variant type: Deletion.
Coding change: c.7156+11_7156+15del on transcript NM_001110556.2 (MANE Select); bases 11 to 15 of the intron after coding-DNA position 7156, 5 bases deleted (GTCCC; older notation c.7156+11_7156+15delGTCCC).
Molecular consequence: intron variant.
Genome position (GRCh38, 1-based): chrX:154,350,894-154,350,898, GGGAC deleted on the plus strand (GTCCC on the coding strand, the reverse complement: FLNA is on the minus strand). VCF-style (leftmost placement, unchanged base first): chrX-154350893-AGGGAC-A. GRCh37 (hg19) VCF-style: chrX-153579261-AGGGAC-A.
Other names: c.7132+11_7132+15del (NM_001456.4); c.7156+11_7156+15delGTCCC (NM_001110556.2); c.7132+11_7132+15delGTCCC (NM_001456.3).
Identifiers: ClinVar variation 420825 (VCV000420825.11), dbSNP rs1064794726, ClinGen allele CA16621251.

ClinVar aggregate classification (germline): Likely benign. Review status: criteria provided, multiple submitters, no conflicts (2 of 4 stars). 4 submissions from 4 submitters: Likely benign (4). Last evaluated 2026-06-01.

Conditions:
Oto-palato-digital syndrome, type II (OPD2). Also called: FACIOPALATOOSSEOUS SYNDROME; OPD II SYNDROME; Otopalatodigital Syndrome Type 2 (FLNA-OPD2); Otopalatodigital Syndrome, Type II. Identifiers: Orphanet 669, Orphanet 90652, MedGen C1844696, MONDO:0010571, OMIM 304120.
Heterotopia, periventricular, X-linked dominant (PVNH1). Also called: PERIVENTRICULAR NODULAR HETEROTOPIA 1; X-linked periventricular heterotopia; PERIVENTRICULAR NODULAR HETEROTOPIA 4; HETEROTOPIA, PERIVENTRICULAR, 1. Identifiers: Orphanet 2149, Orphanet 82004, MedGen C1848213, MONDO:0010233, OMIM 300049.
Frontometaphyseal dysplasia (FMD1). Identifiers: Orphanet 1826, MedGen C0265293, MONDO:0015942.
Melnick-Needles syndrome (MNS). Also called: OSTEODYSPLASTY OF MELNICK AND NEEDLES; MELNICK-NEEDLES OSTEODYSPLASTY; Melnick-Needles Syndrome (FLNA-MNS). Identifiers: Orphanet 2484, MedGen C0025237, MONDO:0010650, OMIM 309350.

Allele frequency attached by ClinVar (database versions not stated): gnomAD exomes below 0.00001; TOPMed below 0.00001; gnomAD 0.00001.

Submissions (4):

Women's Health and Genetics/Laboratory Corporation of America, LabCorp
Classification: Likely benign. Last evaluated: 2026-06-01. Review status: criteria provided, single submitter. Criteria: LabCorp Variant Classification Summary - May 2015. Collection method: clinical testing. Allele origin: germline.
Comment: Variant summary: FLNA c.7156+11_7156+15delGTCCC alters a conserved nucleotide located at a position not widely known to affect splicing. Consensus agreement among computation tools predict no significant impact on normal splicing. However, these predictions have yet to be confirmed by functional studies. The variant was absent in 181550 control chromosomes. The available data on variant occurrences in the general population are insufficient to allow any conclusion about variant significance. To our knowledge, no occurrence of c.7156+11_7156+15delGTCCC in individuals affected with FLNA-related conditions and no experimental evidence demonstrating its impact on protein function have been reported. ClinVar contains an entry for this variant (Variation ID: 420825). Based on the evidence outlined above, the variant was classified as likely benign.

Labcorp Genetics (formerly Invitae), Labcorp
Classification: Likely benign for Oto-palato-digital syndrome, type II; Heterotopia, periventricular, X-linked dominant; Frontometaphyseal dysplasia; Melnick-Needles syndrome. Last evaluated: 2025-06-16. Review status: criteria provided, single submitter. Criteria: Invitae Variant Classification Sherloc (09022015). Collection method: clinical testing. Allele origin: germline.

Blueprint Genetics
Classification: Likely benign. Last evaluated: 2022-02-03. Review status: criteria provided, single submitter. Criteria: ACMG Guidelines, 2015. Collection method: clinical testing. Allele origin: germline.

GeneDx
Classification: Likely benign. Last evaluated: 2016-03-30. Review status: criteria provided, single submitter. Criteria: GeneDx Variant Classification (06012015). Collection method: clinical testing. Allele origin: germline. Affected: yes.
Comment: This variant is considered likely benign or benign based on one or more of the following criteria: it is a conservative change, it occurs at a poorly conserved position in the protein, it is predicted to be benign by multiple in silico algorithms, and/or has population frequency not consistent with disease.